The following is an entry in ClinVar:

NM_024675.4(PALB2):c.218A>G (p.Lys73Arg)

Gene: PALB2 (partner and localizer of BRCA2; minus strand). Cytogenetic location: 16p12.2.
Variant type: single nucleotide variant.
Coding change: c.218A>G on transcript NM_024675.4 (MANE Select); coding-DNA position 218, A replaced by G.
Protein change: p.Lys73Arg; replaces lysine 73 with arginine.
Molecular consequence: missense variant.
Genome position (GRCh38, 1-based): chr16:23,636,328, T>C on the plus strand (A>G on the coding strand, the complement: PALB2 is on the minus strand). VCF-style: chr16-23636328-T-C. GRCh37 (hg19) VCF-style: chr16-23647649-T-C.
Other names: short protein forms K73R.
Identifiers: ClinVar variation 1406767 (VCV001406767.7), dbSNP rs2142448330, ClinGen allele CA395138980.

ClinVar aggregate classification (germline): Uncertain significance (1 of 4 stars; one submission).

Conditions:
Familial cancer of breast. Also called: hereditary breast carcinoma; BREAST CANCER, FAMILIAL; Hereditary breast cancer. Identifiers: Orphanet 227535, MedGen C0346153, MONDO:0016419, OMIM 114480. Disease mechanism: loss of function.

Submission:

Labcorp Genetics (formerly Invitae), Labcorp
Classification: Uncertain significance for Familial cancer of breast. Last evaluated: 2021-09-23. Review status: criteria provided, single submitter. Criteria: Invitae Variant Classification Sherloc (09022015). Collection method: clinical testing. Allele origin: germline.
Comment: This sequence change replaces lysine with arginine at codon 73 of the PALB2 protein (p.Lys73Arg). The lysine residue is weakly conserved and there is a small physicochemical difference between lysine and arginine. This variant is not present in population databases (ExAC no frequency). This variant has not been reported in the literature in individuals affected with PALB2-related conditions. Algorithms developed to predict the effect of missense changes on protein structure and function output the following: SIFT: "Tolerated"; PolyPhen-2: "Benign"; Align-GVGD: "Class C0". The arginine amino acid residue is found in multiple mammalian species, which suggests that this missense change does not adversely affect protein function. Algorithms developed to predict the effect of sequence changes on RNA splicing suggest that this variant may create or strengthen a splice site. In summary, the available evidence is currently insufficient to determine the role of this variant in disease. Therefore, it has been classified as a Variant of Uncertain Significance.